The following is an entry in ClinVar:

NM_001365951.3(KIF1B):c.638C>T (p.Thr213Ile)

Gene: KIF1B (kinesin family member 1B; plus strand). Cytogenetic location: 1p36.22.
Variant type: single nucleotide variant.
Coding change: c.638C>T on transcript NM_001365951.3 (MANE Select); coding-DNA position 638, C replaced by T.
Protein change: p.Thr213Ile; replaces threonine 213 with isoleucine.
Molecular consequence: missense variant.
Genome position (GRCh38, 1-based): chr1:10,268,181, C>T. VCF-style: chr1-10268181-C-T. GRCh37 (hg19) VCF-style: chr1-10328239-C-T.
Other names: c.638C>T, p.Thr213Ile (NM_001365952.1, NM_001365953.1, NM_015074.3 and 1 more transcripts); short protein forms T213I.
Identifiers: ClinVar variation 1753218 (VCV001753218.2), dbSNP rs2521052258, ClinGen allele CA338330283.

ClinVar aggregate classification (germline): Uncertain significance (1 of 4 stars; one submission).

Allele frequency attached by ClinVar (database versions not stated): gnomAD exomes below 0.00001.
gnomAD v4.1: 1 of 1,613,822 alleles (0.000062%); no homozygotes.

Submission:

Ambry Genetics
Classification: Uncertain significance. Last evaluated: 2020-09-25. Review status: criteria provided, single submitter. Criteria: Ambry Variant Classification Scheme 2023. Collection method: clinical testing. Allele origin: germline.
Comment: The p.T213I variant (also known as c.638C>T), located in coding exon 6 of the KIF1B gene, results from a C to T substitution at nucleotide position 638. The threonine at codon 213 is replaced by isoleucine, an amino acid with similar properties. This amino acid position is highly conserved in available vertebrate species. In addition, the in silico prediction for this alteration is inconclusive. Since supporting evidence is limited at this time, the clinical significance of this alteration remains unclear.